The following is an entry in ClinVar:

ClinVar aggregate classification (germline): Uncertain significance (1 of 4 stars; one submission).

Conditions:
Cardiovascular phenotype. Identifiers: MedGen CN230736.

Submission:

Ambry Genetics
Classification: Uncertain significance for Cardiovascular phenotype. Last evaluated: 2020-01-31. Review status: criteria provided, single submitter. Criteria: Ambry Variant Classification Scheme 2023. Collection method: clinical testing. Allele origin: germline.
Comment: The c.4281+1A>G intronic variant results from an A to G substitution one nucleotide after coding exon 24 of the SCN10A gene. Alterations that disrupt the canonical splice site are expected to cause aberrant splicing, resulting in an abnormal protein or a transcript that is subject to nonsense-mediated mRNA decay. However, loss of function of SCN10A has not been clearly established as a mechanism of disease. Additionally, using the BDGP and ESEfinder splice site prediction tools, this alteration does not have any significant effect on the native donor splice site, but direct evidence is unavailable. Since supporting evidence is limited at this time, the clinical significance of this alteration remains unclear.

NM_006514.4(SCN10A):c.4281+1A>G

Gene: SCN10A (sodium voltage-gated channel alpha subunit 10; minus strand). Cytogenetic location: 3p22.2.
Variant type: single nucleotide variant.
Coding change: c.4281+1A>G on transcript NM_006514.4 (MANE Select); the canonical splice donor site of the intron after coding-DNA position 4281, A replaced by G.
Molecular consequence: splice donor variant.
Genome position (GRCh38, 1-based): chr3:38,709,477, T>C on the plus strand (A>G on the coding strand, the complement: SCN10A is on the minus strand). VCF-style: chr3-38709477-T-C. GRCh37 (hg19) VCF-style: chr3-38750968-T-C.
Other names: c.3987+1A>G (NM_001293307.2); c.4278+1A>G (NM_001293306.2).
Identifiers: ClinVar variation 1739348 (VCV001739348.2), dbSNP rs1313360311, ClinGen allele CA352149499.